The following is an entry in ClinVar:

NM_002474.3(MYH11):c.3952C>G (p.Gln1318Glu)

Genes: NDE1 (nudE neurodevelopment protein 1; plus strand), MYH11 (myosin heavy chain 11; minus strand). Cytogenetic location: 16p13.11.
Variant type: single nucleotide variant.
Coding change: c.3952C>G on transcript NM_002474.3 (MANE Select); coding-DNA position 3952, C replaced by G.
Protein change: p.Gln1318Glu; replaces glutamine 1318 with glutamic acid.
Molecular consequence: missense variant. On other transcripts: 3 prime UTR variant (2).
Genome position (GRCh38, 1-based): chr16:15,724,899, G>C on the plus strand (C>G on the coding strand, the complement: MYH11 is on the minus strand). VCF-style: chr16-15724899-G-C. GRCh37 (hg19) VCF-style: chr16-15818756-G-C.
Other names: c.3973C>G, p.Gln1325Glu (NM_001040113.2, NM_001040114.2); c.3952C>G, p.Gln1318Glu (NM_022844.3); c.*648G>C (NM_001143979.2, NM_017668.3); short protein forms Q1318E, Q1325E.
Identifiers: ClinVar variation 4758699 (VCV004758699.1).
Genomic context (GRCh38, chr16:15,724,899, plus strand): 5'-GAGGAAGGCCACCCCCCAGGTCCCCTGGATGATGTGGCAGGACACTCACCTGGGTGTCCT[G>C]GAGCTGGGAACTGAGGGACGCCACGTCCTTGGCCAGCTTAATGGCCTTCCCCTCGGCCTC-3'
Protein context (NP_002465.1, residues 1308-1328): KDVASLSSQL[Gln1318Glu]DTQELLQEET

ClinVar aggregate classification (germline): Uncertain significance (1 of 4 stars; one submission).

Conditions:
Familial thoracic aortic aneurysm and aortic dissection (TAAD). Also called: Thoracic aortic aneurysms and dissections. Identifiers: Orphanet 91387, MedGen C4707243, MONDO:0019625.

gnomAD v4.1: 1 of 1,614,106 alleles (0.000062%); no homozygotes.

Submission:

Color Diagnostics, LLC DBA Color Health
Classification: Uncertain significance for Familial thoracic aortic aneurysm and aortic dissection. Last evaluated: 2025-06-03. Review status: criteria provided, single submitter. Criteria: ACMG Guidelines, 2015. Collection method: clinical testing. Allele origin: germline.
Comment: This missense variant replaces glutamine with glutamic acid at codon 1325 of the MYH11 protein. Computational prediction suggests that this variant may not impact protein structure and function. To our knowledge, functional studies have not been reported for this variant. This variant has not been reported in individuals affected with MYH11-related disorders in the literature. This variant has not been identified in the general population by the Genome Aggregation Database (gnomAD). The available evidence is insufficient to determine the role of this variant in disease conclusively. Therefore, this variant is classified as a Variant of Uncertain Significance.